The following is an entry in ClinVar:

NM_000059.4(BRCA2):c.4972C>G (p.Gln1658Glu)

Gene: BRCA2 (BRCA2 DNA repair associated; plus strand). Cytogenetic location: 13q13.1.
Variant type: single nucleotide variant.
Coding change: c.4972C>G on transcript NM_000059.4 (MANE Select); coding-DNA position 4972, C replaced by G.
Protein change: p.Gln1658Glu; replaces glutamine 1658 with glutamic acid.
Molecular consequence: missense variant.
Genome position (GRCh38, 1-based): chr13:32,339,327, C>G. VCF-style: chr13-32339327-C-G. GRCh37 (hg19) VCF-style: chr13-32913464-C-G.
Other names: short protein forms Q1658E.
Identifiers: ClinVar variation 1347315 (VCV001347315.9), dbSNP rs886038114, ClinGen allele CA387783830.

ClinVar aggregate classification (germline): Conflicting classifications of pathogenicity. Review status: criteria provided, conflicting classifications (1 of 4 stars). 2 submissions from 2 submitters: Uncertain significance (1); Likely benign (1). Last evaluated 2023-06-23.

Conditions:
Hereditary cancer-predisposing syndrome. Also called: Hereditary neoplastic syndrome; Tumor predisposition; Neoplastic Syndromes, Hereditary; Hereditary Cancer Syndrome. Identifiers: Orphanet 140162, MedGen C0027672, MeSH D009386, MONDO:0015356.
Hereditary breast ovarian cancer syndrome. Also called: Hereditary breast and ovarian cancer; Hereditary breast and/or ovarian cancer syndrome; Breast and ovarian cancer; BRCA1- and BRCA2-Associated Hereditary Breast and Ovarian Cancer; Hereditary breast and ovarian cancer syndrome; Hereditary breast and ovarian cancer syndrome (HBOC). Identifiers: Orphanet 145, MedGen C0677776, MeSH D061325, MONDO:0003582. Disease mechanism: loss of function.

Submissions (2):

Labcorp Genetics (formerly Invitae), Labcorp
Classification: Uncertain significance for Hereditary breast ovarian cancer syndrome. Last evaluated: 2023-06-23. Review status: criteria provided, single submitter. Criteria: Invitae Variant Classification Sherloc (09022015). Collection method: clinical testing. Allele origin: germline.
Comment: Advanced modeling of protein sequence and biophysical properties (such as structural, functional, and spatial information, amino acid conservation, physicochemical variation, residue mobility, and thermodynamic stability) performed at Invitae indicates that this missense variant is not expected to disrupt BRCA2 protein function. In summary, the available evidence is currently insufficient to determine the role of this variant in disease. Therefore, it has been classified as a Variant of Uncertain Significance. ClinVar contains an entry for this variant (Variation ID: 1347315). This variant has not been reported in the literature in individuals affected with BRCA2-related conditions. This variant is not present in population databases (gnomAD no frequency). This sequence change replaces glutamine, which is neutral and polar, with glutamic acid, which is acidic and polar, at codon 1658 of the BRCA2 protein (p.Gln1658Glu).

University of Washington Department of Laboratory Medicine, University of Washington
Classification: Likely benign for Hereditary cancer-predisposing syndrome. Last evaluated: 2023-03-23. Review status: criteria provided, single submitter. Criteria: Dines et al. (Genet Med. 2020). Collection method: curation. Allele origin: germline.
Comment: Missense variant in a coldspot region where missense variants are very unlikely to be pathogenic (PMID:31911673).

BRCA2 exon 11 coldspot. Reclassification based on statistical prior probability.